The following is an entry in ClinVar:

NM_001330260.2(SCN8A):c.1350G>A (p.Ala450=)

Gene: SCN8A (sodium voltage-gated channel alpha subunit 8; plus strand). Cytogenetic location: 12q13.13.
Variant type: single nucleotide variant.
Coding change: c.1350G>A on transcript NM_001330260.2 (MANE Select); coding-DNA position 1350, G replaced by A.
Protein change: p.Ala450=; no amino-acid change (alanine 450 retained).
Molecular consequence: synonymous variant.
Genome position (GRCh38, 1-based): chr12:51,706,430, G>A. VCF-style: chr12-51706430-G-A. GRCh37 (hg19) VCF-style: chr12-52100214-G-A.
Other names: c.1350G>A, p.Ala450= (NM_001177984.3, NM_001369788.1, NM_014191.4).
Identifiers: ClinVar variation 589833 (VCV000589833.41), dbSNP rs779130227, ClinGen allele CA6571255.

ClinVar aggregate classification (germline): Likely benign. Review status: criteria provided, multiple submitters, no conflicts (2 of 4 stars). 4 submissions from 4 submitters: Likely benign (4). Last evaluated 2026-03-01.

Conditions:
Early-infantile DEE. Also called: Early infantile epileptic encephalopathy; Ohtahara syndrome; Early infantile epileptic encephalopathy with suppression bursts. Identifiers: Orphanet 1934, MedGen C0393706, MONDO:0800491.
Inborn genetic diseases. Identifiers: MedGen C0950123, MeSH D030342.

Allele frequency attached by ClinVar (database versions not stated): ExAC 0.00021; gnomAD 0.00002 and 0.00003; TOPMed 0.00002.
gnomAD v4.1: 84 of 1,584,130 alleles (0.0053%); highest among the groups gnomAD compares: South Asian, 0.028%; 2 homozygotes.

Submissions (4):

CeGaT Center for Human Genetics Tuebingen
Classification: Likely benign. Last evaluated: 2026-03-01. Review status: criteria provided, single submitter. Criteria: CeGaT Center For Human Genetics Tuebingen Variant Classification Criteria Version 2. Collection method: clinical testing. Allele origin: germline. Affected: yes. Observed: 12 variant alleles.
Comment: SCN8A: BP4, BP7

Labcorp Genetics (formerly Invitae), Labcorp
Classification: Likely benign for Early-infantile DEE. Last evaluated: 2025-09-27. Review status: criteria provided, single submitter. Criteria: Invitae Variant Classification Sherloc (09022015). Collection method: clinical testing. Allele origin: germline.

Blueprint Genetics
Classification: Likely benign. Last evaluated: 2024-09-20. Review status: criteria provided, single submitter. Criteria: ACMG Guidelines, 2015. Collection method: clinical testing. Allele origin: germline.

Ambry Genetics
Classification: Likely benign for Inborn genetic diseases. Last evaluated: 2016-07-08. Review status: criteria provided, single submitter. Criteria: Ambry Variant Classification Scheme 2023. Collection method: clinical testing. Allele origin: germline.